The following is an entry in ClinVar:

NM_001384910.1(GUCA1A):c.211A>G (p.Ile71Val)

Genes: GUCA1A (guanylate cyclase activator 1A; plus strand), GUCA1ANB-GUCA1A (GUCA1ANB-GUCA1A readthrough; plus strand). Cytogenetic location: 6p21.1.
Variant type: single nucleotide variant.
Coding change: c.211A>G on transcript NM_001384910.1 (MANE Select); coding-DNA position 211, A replaced by G.
Protein change: p.Ile71Val; replaces isoleucine 71 with valine.
Molecular consequence: missense variant.
Genome position (GRCh38, 1-based): chr6:42,178,289, A>G. VCF-style: chr6-42178289-A-G. GRCh37 (hg19) VCF-style: chr6-42146027-A-G.
Other names: c.211A>G, p.Ile71Val (NM_000409.5, NM_001319061.2, NM_001319062.2); short protein forms I71V.
Identifiers: ClinVar variation 1016353 (VCV001016353.8), dbSNP rs775285287, ClinGen allele CA3805320.

ClinVar aggregate classification (germline): Uncertain significance (1 of 4 stars; one submission).

Allele frequency attached by ClinVar (database versions not stated): gnomAD exomes below 0.00001; ExAC 0.00001; gnomAD 0.00001; TOPMed 0.00001.
gnomAD v4.1: 6 of 1,613,862 alleles (0.00037%); highest among the groups gnomAD compares: Non-Finnish European, 0.00051%; no homozygotes.

Submission:

Labcorp Genetics (formerly Invitae), Labcorp
Classification: Uncertain significance. Last evaluated: 2022-03-14. Review status: criteria provided, single submitter. Criteria: Invitae Variant Classification Sherloc (09022015). Collection method: clinical testing. Allele origin: germline.
Comment: In summary, the available evidence is currently insufficient to determine the role of this variant in disease. Therefore, it has been classified as a Variant of Uncertain Significance. This sequence change replaces isoleucine, which is neutral and non-polar, with valine, which is neutral and non-polar, at codon 71 of the GUCA1A protein (p.Ile71Val). This variant is present in population databases (rs775285287, gnomAD 0.0009%). This variant has not been reported in the literature in individuals affected with GUCA1A-related conditions. ClinVar contains an entry for this variant (Variation ID: 1016353). Algorithms developed to predict the effect of missense changes on protein structure and function are either unavailable or do not agree on the potential impact of this missense change (SIFT: "Not Available"; PolyPhen-2: "Benign"; Align-GVGD: "Not Available").